The following is an entry in ClinVar:

ClinVar aggregate classification (germline): Benign. Review status: criteria provided, multiple submitters, no conflicts (2 of 4 stars). 3 submissions from 3 submitters: Benign (3). Last evaluated 2018-10-17.

Conditions:
MAPT-Related Spectrum Disorders.

Allele frequency attached by ClinVar (database versions not stated): gnomAD exomes 0.00286; gnomAD 0.03001 and 0.03228; TOPMed 0.03338; 1000 Genomes Project 0.03454; 1000 Genomes Project 30x 0.03701.
gnomAD v4.1: 8,082 of 1,328,340 alleles (0.61%); highest among the groups gnomAD compares: African/African-American, 10%; 424 homozygotes.

Submissions (3):

GeneDx
Classification: Benign. Last evaluated: 2018-10-17. Review status: criteria provided, single submitter. Criteria: GeneDx Variant Classification Process June 2021. Collection method: clinical testing. Allele origin: germline. Affected: yes.

Illumina Laboratory Services, Illumina
Classification: Benign for MAPT-Related Spectrum Disorders. Last evaluated: 2018-01-12. Review status: criteria provided, single submitter. Criteria: ICSL Variant Classification Criteria 13 December 2019. Collection method: clinical testing. Allele origin: germline.
Comment: This variant was observed in the ICSL laboratory as part of a predisposition screen in an ostensibly healthy population. It had not been previously curated by ICSL or reported in the Human Gene Mutation Database (HGMD: prior to June 1st, 2018), and was therefore a candidate for classification through an automated scoring system. Utilizing variant allele frequency, disease prevalence and penetrance estimates, and inheritance mode, an automated score was calculated to assess if this variant is too frequent to cause the disease. Based on the score and internal cut-off values, a variant classified as benign is not then subjected to further curation. The score for this variant resulted in a classification of benign for this disease.

Breakthrough Genomics
Classification: Benign. Review status: criteria provided, single submitter. Criteria: ACMG Guidelines, 2015. Collection method: not provided. Allele origin: germline. Inheritance: Autosomal recessive inheritance. Affected: yes.

NM_001377265.1(MAPT):c.*76G>A

Gene: MAPT (microtubule associated protein tau). Cytogenetic location: 17q21.31.
Variant type: single nucleotide variant.
Coding change: c.*76G>A on transcript NM_001377265.1 (MANE Select); 76 bases downstream of the stop codon, G replaced by A.
Molecular consequence: 3 prime UTR variant. On other transcripts: non-coding transcript variant (1), intron variant (1).
Genome position (GRCh38, 1-based): chr17:46,024,247, G>A. VCF-style: chr17-46024247-G-A. GRCh37 (hg19) VCF-style: chr17-44101613-G-A.
Other names: c.*76G>A (NM_001123066.4, NM_001123067.4, NM_001203251.2 and 7 more transcripts); c.772-870G>A (NM_001377267.1).
Identifiers: ClinVar variation 323653 (VCV000323653.9), dbSNP rs73317038, ClinGen allele CA10645885.